The following is an entry in ClinVar:

ClinVar aggregate classification (germline): Uncertain significance (1 of 4 stars; one submission).

Conditions:
Hereditary cancer-predisposing syndrome. Also called: Neoplastic Syndromes, Hereditary; Tumor predisposition; Hereditary neoplastic syndrome; Hereditary Cancer Syndrome. Identifiers: Orphanet 140162, MedGen C0027672, MeSH D009386, MONDO:0015356.

Submission:

Ambry Genetics
Classification: Uncertain significance for Hereditary cancer-predisposing syndrome. Last evaluated: 2023-09-23. Review status: criteria provided, single submitter. Criteria: Ambry Variant Classification Scheme 2023. Collection method: clinical testing. Allele origin: germline.
Comment: The p.F1190I variant (also known as c.3568T>A), located in coding exon 7 of the MSH6 gene, results from a T to A substitution at nucleotide position 3568. The phenylalanine at codon 1190 is replaced by isoleucine, an amino acid with highly similar properties. This amino acid position is conserved. In addition, this alteration is predicted to be deleterious by in silico analysis. Since supporting evidence is limited at this time, the clinical significance of this alteration remains unclear.

NM_000179.3(MSH6):c.3568T>A (p.Phe1190Ile)

Gene: MSH6 (mutS homolog 6; plus strand). Cytogenetic location: 2p16.3.
Variant type: single nucleotide variant.
Coding change: c.3568T>A on transcript NM_000179.3 (MANE Select); coding-DNA position 3568, T replaced by A.
Protein change: p.Phe1190Ile; replaces phenylalanine 1190 with isoleucine.
Molecular consequence: missense variant. On other transcripts: non-coding transcript variant (5).
Genome position (GRCh38, 1-based): chr2:47,805,629, T>A. VCF-style: chr2-47805629-T-A. GRCh37 (hg19) VCF-style: chr2-48032768-T-A.
Other names: c.3178T>A, p.Phe1060Ile (NM_001281492.2); c.2662T>A, p.Phe888Ile (NM_001281493.2, NM_001281494.2, NM_001406811.1 and 6 more transcripts); c.3664T>A, p.Phe1222Ile (NM_001406795.1, NM_001406802.1); c.3568T>A, p.Phe1190Ile (NM_001406796.1, NM_001406800.1, NM_001406808.1 and 1 more transcripts); c.3271T>A, p.Phe1091Ile (NM_001406797.1, NM_001406801.1, NM_001406805.1 and 10 more transcripts); c.3394T>A, p.Phe1132Ile (NM_001406798.1); c.3043T>A, p.Phe1015Ile (NM_001406799.1, NM_001406806.1, NM_001406807.1); c.2704T>A, p.Phe902Ile (NM_001406803.1); and 7 more; short protein forms F1015I, F1060I, F1091I, F1132I, F1134I, F1164I, F117I, F1190I.
Identifiers: ClinVar variation 3230558 (VCV003230558.1), dbSNP rs778651272, ClinGen allele CA346760461.